The following is an entry in ClinVar:

ClinVar aggregate classification (germline): Uncertain significance (1 of 4 stars; one submission).

Submission:

Greenwood Genetic Center Diagnostic Laboratories, Greenwood Genetic Center
Classification: Uncertain significance. Last evaluated: 2024-08-15. Review status: criteria provided, single submitter. Criteria: ACMG Guidelines, 2015. Collection method: clinical testing. Allele origin: germline. Affected: yes.
Comment: PM2

NM_005235.3(ERBB4):c.27C>A (p.Val9=)

Gene: ERBB4 (erb-b2 receptor tyrosine kinase 4; minus strand). Cytogenetic location: 2q34.
Variant type: single nucleotide variant.
Coding change: c.27C>A on transcript NM_005235.3 (MANE Select); coding-DNA position 27, C replaced by A.
Protein change: p.Val9=; no amino-acid change (valine 9 retained).
Molecular consequence: synonymous variant.
Genome position (GRCh38, 1-based): chr2:212,538,504, G>T on the plus strand (C>A on the coding strand, the complement: ERBB4 is on the minus strand). VCF-style: chr2-212538504-G-T. GRCh37 (hg19) VCF-style: chr2-213403228-G-T.
Other names: c.27C>A, p.Val9= (NM_001042599.2).
Identifiers: ClinVar variation 3765587 (VCV003765587.1).